The following is an entry in ClinVar:

NM_003183.6(ADAM17):c.2425T>C (p.Phe809Leu)

Genes: ADAM17 (ADAM metallopeptidase domain 17; minus strand), IAH1 (isoamyl acetate hydrolyzing esterase 1 (putative); plus strand). Cytogenetic location: 2p25.1.
Variant type: single nucleotide variant.
Coding change: c.2425T>C on transcript NM_003183.6 (MANE Select); coding-DNA position 2425, T replaced by C.
Protein change: p.Phe809Leu; replaces phenylalanine 809 with leucine.
Molecular consequence: missense variant.
Genome position (GRCh38, 1-based): chr2:9,490,227, A>G on the plus strand (T>C on the coding strand, the complement: ADAM17 is on the minus strand). VCF-style: chr2-9490227-A-G. GRCh37 (hg19) VCF-style: chr2-9630356-A-G.
Other names: c.1765T>C, p.Phe589Leu (NM_001382777.1); c.1528T>C, p.Phe510Leu (NM_001382778.1); short protein forms F809L, F510L, F589L.
Identifiers: ClinVar variation 1349212 (VCV001349212.6), dbSNP rs2124947759, ClinGen allele CA345794139.

ClinVar aggregate classification (germline): Uncertain significance (1 of 4 stars; one submission).

Conditions:
Inflammatory skin and bowel disease, neonatal, 1. Identifiers: Orphanet 294023, MedGen C3280501, MONDO:0013693, OMIM 614328.

Submission:

Labcorp Genetics (formerly Invitae), Labcorp
Classification: Uncertain significance for Inflammatory skin and bowel disease, neonatal, 1. Last evaluated: 2024-11-02. Review status: criteria provided, single submitter. Criteria: Invitae Variant Classification Sherloc (09022015). Collection method: clinical testing. Allele origin: germline.
Comment: This sequence change replaces phenylalanine, which is neutral and non-polar, with leucine, which is neutral and non-polar, at codon 809 of the ADAM17 protein (p.Phe809Leu). This variant is not present in population databases (gnomAD no frequency). This variant has not been reported in the literature in individuals affected with ADAM17-related conditions. ClinVar contains an entry for this variant (Variation ID: 1349212). An algorithm developed to predict the effect of missense changes on protein structure and function (PolyPhen-2) suggests that this variant is likely to be disruptive. In summary, the available evidence is currently insufficient to determine the role of this variant in disease. Therefore, it has been classified as a Variant of Uncertain Significance.